The following is an entry in ClinVar:

NM_000179.3(MSH6):c.2831dup (p.Arg945fs)

Gene: MSH6 (mutS homolog 6; plus strand). Cytogenetic location: 2p16.3.
Variant type: Duplication.
Coding change: c.2831dup on transcript NM_000179.3 (MANE Select); coding-DNA position 2831, one base duplicated (T; older notation c.2831dupT).
Protein change: p.Arg945fs; shifts the reading frame from arginine 945.
Molecular consequence: frameshift variant.
Genome position (GRCh38, 1-based): chr2:47,800,814, T duplicated. VCF-style (leftmost placement, unchanged base first): chr2-47800813-A-AT. GRCh37 (hg19) VCF-style: chr2-48027952-A-AT.
Other names: c.2441dup, p.Arg815fs (NM_001281492.2); c.1925dup, p.Arg643fs (NM_001281493.2, NM_001281494.2); c.2927dup, p.Arg977Lysfs (NM_001406795.1, NM_001406802.1); c.2831dup, p.Arg945Lysfs (NM_001406796.1, NM_001406798.1, NM_001406800.1 and 2 more transcripts); c.2534dup, p.Arg846Lysfs (NM_001406797.1, NM_001406801.1, NM_001406805.1 and 10 more transcripts); c.2306dup, p.Arg770Lysfs (NM_001406799.1, NM_001406806.1, NM_001406807.1); c.2753dup, p.Arg919Lysfs (NM_001406804.1); c.1925dup, p.Arg643Lysfs (NM_001406811.1, NM_001406812.1, NM_001406814.1 and 4 more transcripts); and 4 more; short protein forms R643fs, R945fs, R815fs.
Identifiers: ClinVar variation 1796599 (VCV001796599.2), dbSNP rs2530696014, ClinGen allele CA2580068082.
Genomic context (GRCh38, chr2:47,800,813, plus strand): 5'-ACTGGACTTATTACTCCCAAAGCAGGCTTTGACTCTGATTATGACCAAGCTCTTGCTGAC[A>AT]TAAGAGAAAATGAACAGAGCCTCCTGGAATACCTAGAGAAACAGCGCAACAGAATTGGCT-3'

ClinVar aggregate classification (germline): Pathogenic (1 of 4 stars; one submission).

Conditions:
Hereditary cancer-predisposing syndrome. Also called: Tumor predisposition; Hereditary Cancer Syndrome; Neoplastic Syndromes, Hereditary; Hereditary neoplastic syndrome. Identifiers: Orphanet 140162, MedGen C0027672, MeSH D009386, MONDO:0015356.

Submission:

Ambry Genetics
Classification: Pathogenic for Hereditary cancer-predisposing syndrome. Last evaluated: 2019-07-09. Review status: criteria provided, single submitter. Criteria: Ambry Variant Classification Scheme 2023. Collection method: clinical testing. Allele origin: germline.
Comment: The c.2831dupT pathogenic mutation, located in coding exon 4 of the MSH6 gene, results from a duplication of T at nucleotide position 2831, causing a translational frameshift with a predicted alternate stop codon (p.R945Kfs*4). This alteration is expected to result in loss of function by premature protein truncation or nonsense-mediated mRNA decay. As such, this alteration is interpreted as a disease-causing mutation.